The following is an entry in ClinVar:

ClinVar aggregate classification (germline): Uncertain significance. Review status: criteria provided, multiple submitters, no conflicts (2 of 4 stars). 2 submissions from 2 submitters: Uncertain significance (2). Last evaluated 2025-03-05.

Conditions:
Familial cancer of breast. Also called: hereditary breast carcinoma; BREAST CANCER, FAMILIAL; Hereditary breast cancer. Identifiers: Orphanet 227535, MedGen C0346153, MONDO:0016419, OMIM 114480. Disease mechanism: loss of function.
Hereditary cancer-predisposing syndrome. Also called: Tumor predisposition; Hereditary Cancer Syndrome; Hereditary neoplastic syndrome; Neoplastic Syndromes, Hereditary. Identifiers: Orphanet 140162, MedGen C0027672, MeSH D009386, MONDO:0015356.

Submissions (2):

Ambry Genetics
Classification: Uncertain significance for Hereditary cancer-predisposing syndrome. Last evaluated: 2025-03-05. Review status: criteria provided, single submitter. Criteria: Ambry Variant Classification Scheme 2023. Collection method: clinical testing. Allele origin: germline.
Comment: The p.E2236K variant (also known as c.6706G>A), located in coding exon 45 of the ATM gene, results from a G to A substitution at nucleotide position 6706. The glutamic acid at codon 2236 is replaced by lysine, an amino acid with similar properties. This amino acid position is conserved. In addition, this alteration is predicted to be tolerated by in silico analysis. Based on the available evidence, the clinical significance of this variant remains unclear.

Baylor Genetics
Classification: Uncertain significance for Familial cancer of breast. Last evaluated: 2024-03-27. Review status: criteria provided, single submitter. Criteria: ACMG Guidelines, 2015. Collection method: clinical testing. Allele origin: unknown.

NM_000051.4(ATM):c.6706G>A (p.Glu2236Lys)

Genes: ATM (ATM serine/threonine kinase; plus strand), C11orf65 (chromosome 11 open reading frame 65; minus strand). Cytogenetic location: 11q22.3.
Variant type: single nucleotide variant.
Coding change: c.6706G>A on transcript NM_000051.4 (MANE Select); coding-DNA position 6706, G replaced by A.
Protein change: p.Glu2236Lys; replaces glutamic acid 2236 with lysine.
Molecular consequence: missense variant. On other transcripts: intron variant (2).
Genome position (GRCh38, 1-based): chr11:108,325,443, G>A. VCF-style: chr11-108325443-G-A. GRCh37 (hg19) VCF-style: chr11-108196170-G-A.
Other names: c.6706G>A, p.Glu2236Lys (NM_001351834.2); c.641-16372C>T (NM_001330368.2); c.*38+9777C>T (NM_001351110.2); short protein forms E2236K.
Identifiers: ClinVar variation 3240708 (VCV003240708.2), dbSNP rs1591129305.
Genomic context (GRCh38, chr11:108,325,443, plus strand): 5'-GATTTTAGTTTTCAGGAGCCTATCATGGCTCTACGCACAGTCATTTTGGAGATCCTGATG[G>A]AAAAGGAAATGGACAACTCACAAAGAGAATGTATTAAGGACATTCTCACCAAACACCTTG-3'
Protein context (NP_000042.3, residues 2226-2246): LRTVILEILM[Glu2236Lys]KEMDNSQREC